The following is an entry in ClinVar:

ClinVar aggregate classification (germline): Uncertain significance (1 of 4 stars; one submission).

Conditions:
X-linked distal spinal muscular atrophy type 3. Also called: ATP7A-Related Distal Motor Neuropathy; SPINAL MUSCULAR ATROPHY, DISTAL, X-LINKED RECESSIVE; NEURONOPATHY, DISTAL HEREDITARY MOTOR, X-LINKED; NEUROPATHY, DISTAL HEREDITARY MOTOR, X-LINKED. Identifiers: Orphanet 139557, MedGen C1845359, MONDO:0010338, OMIM 300489.
Menkes kinky-hair syndrome (MNK). Also called: Copper transport disease; Menkes Disease; Classic Menkes Disease. Identifiers: Orphanet 565, MedGen C0022716, MONDO:0010651, OMIM 309400.
Cutis laxa, X-linked (OHS). Also called: EDS IX; Occipital horn syndrome. Identifiers: Orphanet 198, MedGen C0268353, MONDO:0010572, OMIM 304150.

Allele frequency attached by ClinVar (database versions not stated): gnomAD exomes 0.00001; TOPMed 0.00001; gnomAD 0.00002.
gnomAD v4.1: 9 of 1,208,932 alleles (0.00074%); highest among the groups gnomAD compares: East Asian, 0.027%; no homozygotes.

Submission:

Labcorp Genetics (formerly Invitae), Labcorp
Classification: Uncertain significance for X-linked distal spinal muscular atrophy type 3; Cutis laxa, X-linked; Menkes kinky-hair syndrome. Last evaluated: 2022-02-03. Review status: criteria provided, single submitter. Criteria: Invitae Variant Classification Sherloc (09022015). Collection method: clinical testing. Allele origin: germline.
Comment: This sequence change affects codon 40 of the ATP7A mRNA. It is a 'silent' change, meaning that it does not change the encoded amino acid sequence of the ATP7A protein. This variant also falls at the last nucleotide of exon 2, which is part of the consensus splice site for this exon. This variant is not present in population databases (gnomAD no frequency). In summary, the available evidence is currently insufficient to determine the role of this variant in disease. Therefore, it has been classified as a Variant of Uncertain Significance. Variants that disrupt the consensus splice site are a relatively common cause of aberrant splicing (PMID: 17576681, 9536098). Algorithms developed to predict the effect of sequence changes on RNA splicing suggest that this variant may create or strengthen a splice site. This variant has not been reported in the literature in individuals affected with ATP7A-related conditions.

Literature cited by the submitters: PubMed 17576681; PubMed 9536098.

NM_000052.7(ATP7A):c.120G>A (p.Lys40=)

Gene: ATP7A (ATPase copper transporting alpha; plus strand). Cytogenetic location: Xq21.1.
Variant type: single nucleotide variant.
Coding change: c.120G>A on transcript NM_000052.7 (MANE Select); coding-DNA position 120, G replaced by A.
Protein change: p.Lys40=; no amino-acid change (lysine 40 retained).
Molecular consequence: synonymous variant. On other transcripts: non-coding transcript variant (1).
Genome position (GRCh38, 1-based): chrX:77,971,761, G>A. VCF-style: chrX-77971761-G-A. GRCh37 (hg19) VCF-style: chrX-77227258-G-A.
Other names: c.120G>A, p.Lys40= (NM_001282224.2).
Identifiers: ClinVar variation 2092498 (VCV002092498.4), dbSNP rs1400740365, ClinGen allele CA517083236.